The following is an entry in ClinVar:

NM_000136.3(FANCC):c.814A>G (p.Ile272Val)

Genes: FANCC (FA complementation group C; minus strand), AOPEP (aminopeptidase O (putative); plus strand). Cytogenetic location: 9q22.32.
Variant type: single nucleotide variant.
Coding change: c.814A>G on transcript NM_000136.3 (MANE Select); coding-DNA position 814, A replaced by G.
Protein change: p.Ile272Val; replaces isoleucine 272 with valine.
Molecular consequence: missense variant.
Genome position (GRCh38, 1-based): chr9:95,135,375, T>C on the plus strand (A>G on the coding strand, the complement: FANCC is on the minus strand). VCF-style: chr9-95135375-T-C. GRCh37 (hg19) VCF-style: chr9-97897657-T-C.
Other names: c.814A>G, p.Ile272Val (NM_001243743.2, NM_001243744.2); short protein forms I272V.
Identifiers: ClinVar variation 1762180 (VCV001762180.5), dbSNP rs768209355, ClinGen allele CA5137631.
Genomic context (GRCh38, chr9:95,135,375, plus strand): 5'-ATTTTTCCCTTCATCAAAACCCAGTACGTACCAGCGATGAATCTTTTATAAAGCATTCGA[T>C]CCTTCTCAGACAATTTCTCTCACTGGAGATTAGCTTTTCAAAAAGATGCAGCATTGCTTT-3'
Protein context (NP_000127.2, residues 262-282): ISSERNCLRR[Ile272Val]ECFIKDSSLP

ClinVar aggregate classification (germline): Uncertain significance. Review status: criteria provided, multiple submitters, no conflicts (2 of 4 stars). 2 submissions from 2 submitters: Uncertain significance (2). Last evaluated 2023-09-27.

Conditions:
Hereditary cancer-predisposing syndrome. Also called: Neoplastic Syndromes, Hereditary; Tumor predisposition; Hereditary Cancer Syndrome; Hereditary neoplastic syndrome. Identifiers: Orphanet 140162, MedGen C0027672, MeSH D009386, MONDO:0015356.
Fanconi anemia (FA). Also called: Fanconi's anemia. Identifiers: Orphanet 84, MedGen C0015625, MeSH D005199, MONDO:0019391.

Allele frequency attached by ClinVar (database versions not stated): gnomAD exomes below 0.00001; ExAC 0.00001.
gnomAD v4.1: 4 of 1,614,136 alleles (0.00025%); highest among the groups gnomAD compares: Non-Finnish European, 0.00034%; no homozygotes.

Submissions (2):

Labcorp Genetics (formerly Invitae), Labcorp
Classification: Uncertain significance for Fanconi anemia. Last evaluated: 2023-09-27. Review status: criteria provided, single submitter. Criteria: Invitae Variant Classification Sherloc (09022015). Collection method: clinical testing. Allele origin: germline.
Comment: This sequence change replaces isoleucine, which is neutral and non-polar, with valine, which is neutral and non-polar, at codon 272 of the FANCC protein (p.Ile272Val). This variant is not present in population databases (gnomAD no frequency). This variant has not been reported in the literature in individuals affected with FANCC-related conditions. ClinVar contains an entry for this variant (Variation ID: 1762180). Advanced modeling of protein sequence and biophysical properties (such as structural, functional, and spatial information, amino acid conservation, physicochemical variation, residue mobility, and thermodynamic stability) performed at Invitae indicates that this missense variant is not expected to disrupt FANCC protein function. In summary, the available evidence is currently insufficient to determine the role of this variant in disease. Therefore, it has been classified as a Variant of Uncertain Significance.

Ambry Genetics
Classification: Uncertain significance for Hereditary cancer-predisposing syndrome. Last evaluated: 2022-06-18. Review status: criteria provided, single submitter. Criteria: Ambry Variant Classification Scheme 2023. Collection method: clinical testing. Allele origin: germline.
Comment: The p.I272V variant (also known as c.814A>G), located in coding exon 7 of the FANCC gene, results from an A to G substitution at nucleotide position 814. The isoleucine at codon 272 is replaced by valine, an amino acid with highly similar properties. This amino acid position is conserved. In addition, this alteration is predicted to be tolerated by in silico analysis. Since supporting evidence is limited at this time, the clinical significance of this alteration remains unclear.